The following is an entry in ClinVar:

NM_004104.5(FASN):c.4655G>T (p.Arg1552Leu)

Gene: FASN (fatty acid synthase; minus strand). Cytogenetic location: 17q25.3.
Variant type: single nucleotide variant.
Coding change: c.4655G>T on transcript NM_004104.5 (MANE Select); coding-DNA position 4655, G replaced by T.
Protein change: p.Arg1552Leu; replaces arginine 1552 with leucine.
Molecular consequence: missense variant.
Genome position (GRCh38, 1-based): chr17:82,084,626, C>A on the plus strand (G>T on the coding strand, the complement: FASN is on the minus strand). VCF-style: chr17-82084626-C-A. GRCh37 (hg19) VCF-style: chr17-80042502-C-A.
Other names: short protein forms R1552L.
Identifiers: ClinVar variation 1353249 (VCV001353249.6), dbSNP rs774834763, ClinGen allele CA401545200.

ClinVar aggregate classification (germline): Uncertain significance (1 of 4 stars; one submission).

Conditions:
Epileptic encephalopathy. Identifiers: MedGen C0543888, HP:0200134.

gnomAD v4.1: 1 of 1,604,750 alleles (0.000062%); highest among the groups gnomAD compares: Non-Finnish European, 0.000085%; no homozygotes.

Submission:

Labcorp Genetics (formerly Invitae), Labcorp
Classification: Uncertain significance for Epileptic encephalopathy. Last evaluated: 2022-03-18. Review status: criteria provided, single submitter. Criteria: Invitae Variant Classification Sherloc (09022015). Collection method: clinical testing. Allele origin: germline.
Comment: This sequence change replaces arginine, which is basic and polar, with leucine, which is neutral and non-polar, at codon 1552 of the FASN protein (p.Arg1552Leu). This variant is not present in population databases (gnomAD no frequency). This variant has not been reported in the literature in individuals affected with FASN-related conditions. Algorithms developed to predict the effect of missense changes on protein structure and function are either unavailable or do not agree on the potential impact of this missense change (SIFT: "Deleterious"; PolyPhen-2: "Benign"; Align-GVGD: "Class C0"). In summary, the available evidence is currently insufficient to determine the role of this variant in disease. Therefore, it has been classified as a Variant of Uncertain Significance.